The following is an entry in ClinVar:

NM_002834.5(PTPN11):c.1453G>T (p.Asp485Tyr)

Gene: PTPN11 (protein tyrosine phosphatase non-receptor type 11; plus strand). Cytogenetic location: 12q24.13.
Variant type: single nucleotide variant.
Coding change: c.1453G>T on transcript NM_002834.5 (MANE Select); coding-DNA position 1453, G replaced by T.
Protein change: p.Asp485Tyr; replaces aspartic acid 485 with tyrosine.
Molecular consequence: missense variant.
Genome position (GRCh38, 1-based): chr12:112,489,029, G>T. VCF-style: chr12-112489029-G-T. GRCh37 (hg19) VCF-style: chr12-112926833-G-T.
Other names: c.1465G>T, p.Asp489Tyr (NM_001330437.2); c.1450G>T, p.Asp484Tyr (NM_001374625.1); short protein forms D485Y, D489Y, D484Y.
Identifiers: ClinVar variation 2795502 (VCV002795502.3), dbSNP rs397507538, ClinGen allele CA282126.

ClinVar aggregate classification (germline): Uncertain significance (1 of 4 stars; one submission).

Conditions:
RASopathy. Also called: rasopathies; Noonan spectrum disorder. Identifiers: Orphanet 536391, MedGen C5555857, MONDO:0021060.

Allele frequency attached by ClinVar (database versions not stated): gnomAD exomes below 0.00001.

Submission:

Labcorp Genetics (formerly Invitae), Labcorp
Classification: Uncertain significance for RASopathy. Last evaluated: 2023-02-16. Review status: criteria provided, single submitter. Criteria: Invitae Variant Classification Sherloc (09022015). Collection method: clinical testing. Allele origin: germline.
Comment: This sequence change replaces aspartic acid, which is acidic and polar, with tyrosine, which is neutral and polar, at codon 485 of the PTPN11 protein (p.Asp485Tyr). This variant is not present in population databases (gnomAD no frequency). This variant has not been reported in the literature in individuals affected with PTPN11-related conditions. Advanced modeling of protein sequence and biophysical properties (such as structural, functional, and spatial information, amino acid conservation, physicochemical variation, residue mobility, and thermodynamic stability) performed at Invitae indicates that this missense variant is expected to disrupt PTPN11 protein function. In summary, the available evidence is currently insufficient to determine the role of this variant in disease. Therefore, it has been classified as a Variant of Uncertain Significance.